The following is an entry in ClinVar:

NM_000485.3(APRT):c.479C>T (p.Thr160Ile)

Gene: APRT (adenine phosphoribosyltransferase; minus strand). Cytogenetic location: 16q24.3.
Variant type: single nucleotide variant.
Coding change: c.479C>T on transcript NM_000485.3 (MANE Select); coding-DNA position 479, C replaced by T.
Protein change: p.Thr160Ile; replaces threonine 160 with isoleucine.
Molecular consequence: missense variant. On other transcripts: intron variant (1).
Genome position (GRCh38, 1-based): chr16:88,809,762, G>A on the plus strand (C>T on the coding strand, the complement: APRT is on the minus strand). VCF-style: chr16-88809762-G-A. GRCh37 (hg19) VCF-style: chr16-88876170-G-A.
Other names: c.401-56C>T (NM_001030018.2); short protein forms T160I.
Identifiers: ClinVar variation 5000441 (VCV005000441.1).

ClinVar aggregate classification (germline): Uncertain significance (1 of 4 stars; one submission).

Conditions:
APRT-related disorder. Also called: APRT-related condition.

Submission:

PreventionGenetics, part of Exact Sciences
Classification: Uncertain significance for APRT-related condition. Last evaluated: 2025-05-14. Review status: criteria provided, single submitter. Criteria: ACMG Guidelines, 2015. Collection method: clinical testing. Allele origin: germline.
Comment: The APRT c.479C>T variant is predicted to result in the amino acid substitution p.Thr160Ile. To our knowledge, this variant has not been reported in the literature or in a large population database (gnomAD), indicating this variant is rare. At this time, the clinical significance of this variant is uncertain due to the absence of conclusive functional and genetic evidence.